The following is an entry in ClinVar:

NM_000161.3(GCH1):c.599C>G (p.Ala200Gly)

Gene: GCH1 (GTP cyclohydrolase 1; minus strand). Cytogenetic location: 14q22.2.
Variant type: single nucleotide variant.
Coding change: c.599C>G on transcript NM_000161.3 (MANE Select); coding-DNA position 599, C replaced by G.
Protein change: p.Ala200Gly; replaces alanine 200 with glycine.
Molecular consequence: missense variant.
Genome position (GRCh38, 1-based): chr14:54,845,795, G>C on the plus strand (C>G on the coding strand, the complement: GCH1 is on the minus strand). VCF-style: chr14-54845795-G-C. GRCh37 (hg19) VCF-style: chr14-55312513-G-C.
Other names: c.599C>G, p.Ala200Gly (NM_001024024.2, NM_001024070.2, NM_001024071.2); c.599C>G (NM_000161.2); short protein forms A200G.
Identifiers: ClinVar variation 2119566 (VCV002119566.5), dbSNP rs2140041678, ClinGen allele CA389787311.

ClinVar aggregate classification (germline): Uncertain significance. Review status: criteria provided, multiple submitters, no conflicts (2 of 4 stars). 2 submissions from 2 submitters: Uncertain significance (2). Last evaluated 2024-05-21.

Conditions:
GTP cyclohydrolase I deficiency. Identifiers: MedGen C0268467, MONDO:0100184.
Dystonia 5 (DRD). Also called: Dystonia, DOPA-responsive, with or without hyperphenylalaninemia; DYT-GCH1; DYSTONIA, PROGRESSIVE, WITH DIURNAL VARIATION; DYSTONIA-PARKINSONISM WITH DIURNAL FLUCTUATION; GTP Cyclohydrolase 1-Deficient Dopa-Responsive Dystonia. Identifiers: Orphanet 98808, MedGen C1851920, MONDO:0007495, OMIM 128230.
Inborn genetic diseases. Identifiers: MedGen C0950123, MeSH D030342.

Submissions (2):

Ambry Genetics
Classification: Uncertain significance for Inborn genetic diseases. Last evaluated: 2024-05-21. Review status: criteria provided, single submitter. Criteria: Ambry Variant Classification Scheme 2023. Collection method: clinical testing. Allele origin: germline.

Labcorp Genetics (formerly Invitae), Labcorp
Classification: Uncertain significance for GTP cyclohydrolase I deficiency; Dystonia 5. Last evaluated: 2022-07-19. Review status: criteria provided, single submitter. Criteria: Invitae Variant Classification Sherloc (09022015). Collection method: clinical testing. Allele origin: germline.
Comment: Algorithms developed to predict the effect of missense changes on protein structure and function (SIFT, PolyPhen-2, Align-GVGD) all suggest that this variant is likely to be tolerated. In summary, the available evidence is currently insufficient to determine the role of this variant in disease. Therefore, it has been classified as a Variant of Uncertain Significance. This variant has not been reported in the literature in individuals affected with GCH1-related conditions. This variant is not present in population databases (gnomAD no frequency). This sequence change replaces alanine, which is neutral and non-polar, with glycine, which is neutral and non-polar, at codon 200 of the GCH1 protein (p.Ala200Gly).